The following is an entry in ClinVar:

NM_000414.4(HSD17B4):c.58+182C>T

Gene: HSD17B4 (hydroxysteroid 17-beta dehydrogenase 4; plus strand). Cytogenetic location: 5q23.1.
Variant type: single nucleotide variant.
Coding change: c.58+182C>T on transcript NM_000414.4 (MANE Select); 182 bases into the intron after coding-DNA position 58, C replaced by T.
Molecular consequence: intron variant. On other transcripts: missense variant (1), 5 prime UTR variant (6), non-coding transcript variant (1).
Genome position (GRCh38, 1-based): chr5:119,452,815, C>T. VCF-style: chr5-119452815-C-T. GRCh37 (hg19) VCF-style: chr5-118788510-C-T.
Other names: p.Ser21Leu; c.62C>T, p.Ser21Leu (NM_001199291.3); c.-360C>T (NM_001292028.2, NM_001374501.1); c.-294C>T (NM_001374499.1); c.-487C>T (NM_001374500.1); c.-365C>T (NM_001374502.1); c.-430C>T (NM_001374503.1); c.-80+182C>T (NM_001292027.2); and 1 more; short protein forms S21L.
Identifiers: ClinVar variation 3350610 (VCV003350610.2).

ClinVar aggregate classification (germline): Uncertain significance. Review status: criteria provided, single submitter (1 of 4 stars). 2 submissions from 2 submitters: Uncertain significance (1). 1 of the submissions does not count toward it. Last evaluated 2024-05-08.

Conditions:
HSD17B4-related disorder. Also called: HSD17B4-related disorders; HSD17B4-related condition.

gnomAD v4.1: 5 of 1,536,818 alleles (0.00033%); highest among the groups gnomAD compares: Non-Finnish European, 0.000087%; no homozygotes.

Submissions (2):

Mayo Clinic Laboratories, Mayo Clinic
Classification: Uncertain significance. Last evaluated: 2024-05-08. Review status: criteria provided, single submitter. Criteria: ACMG Guidelines, 2015. Collection method: clinical testing. Allele origin: germline. Observed: 1 variant allele.
Comment: BP4, PM2

PreventionGenetics, part of Exact Sciences
Classification: Uncertain significance for HSD17B4-related condition. Last evaluated: 2024-07-09. Review status: no assertion criteria provided. Collection method: clinical testing. Allele origin: germline. Not counted in ClinVar's aggregate classification.
Comment: The HSD17B4 c.62C>T variant is predicted to result in the amino acid substitution p.Ser21Leu. To our knowledge, this variant has not been reported in the literature or in a large population database, indicating this variant is rare. At this time, the clinical significance of this variant is uncertain due to the absence of conclusive functional and genetic evidence.